The following is an entry in ClinVar:

NM_001267550.2(TTN):c.91025C>A (p.Ser30342Ter)

Genes: TTN (titin; minus strand), TTN-AS1 (TTN antisense RNA 1; plus strand). Cytogenetic location: 2q31.2.
Variant type: single nucleotide variant.
Coding change: c.91025C>A on transcript NM_001267550.2 (MANE Select); coding-DNA position 91025, C replaced by A.
Protein change: p.Ser30342Ter; replaces serine 30342 with a stop codon.
Molecular consequence: nonsense.
Genome position (GRCh38, 1-based): chr2:178,551,875, G>T on the plus strand (C>A on the coding strand, the complement: TTN is on the minus strand). VCF-style: chr2-178551875-G-T. GRCh37 (hg19) VCF-style: chr2-179416602-G-T.
Other names: c.86102C>A, p.Ser28701Ter (NM_001256850.1); c.63830C>A, p.Ser21277Ter (NM_003319.4); c.83321C>A, p.Ser27774Ter (NM_133378.4); c.64205C>A, p.Ser21402Ter (NM_133432.3); c.64406C>A, p.Ser21469Ter (NM_133437.4); short protein forms S21277*, S21402*, S21469*, S27774*, S28701*, S30342*.
Identifiers: ClinVar variation 1067543 (VCV001067543.9), dbSNP rs2154150847, ClinGen allele CA349504453.

ClinVar aggregate classification (germline): Likely pathogenic (1 of 4 stars; one submission).

Conditions:
Dilated cardiomyopathy 1G (CMD1G). Identifiers: Orphanet 154, MedGen C1858763, MONDO:0011400, OMIM 604145.
Autosomal recessive limb-girdle muscular dystrophy type 2J (LGMDR10). Also called: Limb-girdle muscular dystrophy, type 2J; MUSCULAR DYSTROPHY, LIMB-GIRDLE, AUTOSOMAL RECESSIVE 10. Identifiers: Orphanet 140922, MedGen C1837342, MONDO:0012127, OMIM 608807.

Submission:

Labcorp Genetics (formerly Invitae), Labcorp
Classification: Likely pathogenic for Dilated cardiomyopathy 1G; Autosomal recessive limb-girdle muscular dystrophy type 2J. Last evaluated: 2020-06-17. Review status: criteria provided, single submitter. Criteria: Invitae Variant Classification Sherloc (09022015). Collection method: clinical testing. Allele origin: germline.
Comment: In summary, the currently available evidence indicates that the variant is pathogenic, but additional data are needed to prove that conclusively. Therefore, this variant has been classified as Likely Pathogenic. This variant is located in the A band of TTN (PMID: 25589632). Truncating variants in this region are significantly overrepresented in patients affected with dilated cardiomyopathy (PMID: 25589632). Truncating variants in this region have also been reported in individuals affected with autosomal recessive centronuclear myopathy (PMID: 23975875). This variant has not been reported in the literature in individuals with TTN-related conditions. This variant is not present in population databases (ExAC no frequency). This sequence change results in a premature translational stop signal in the TTN gene (p.Ser30342*). While this is not anticipated to result in nonsense mediated decay, it is expected to create a truncated TTN protein.

Literature cited by the submitters: PubMed 25589632; PubMed 23975875.